The following is an entry in ClinVar:

NM_000492.4(CFTR):c.2768C>A (p.Ala923Asp)

Gene: CFTR (CF transmembrane conductance regulator; plus strand). Cytogenetic location: 7q31.2.
Variant type: single nucleotide variant.
Coding change: c.2768C>A on transcript NM_000492.4 (MANE Select); coding-DNA position 2768, C replaced by A.
Protein change: p.Ala923Asp; replaces alanine 923 with aspartic acid.
Molecular consequence: missense variant.
Genome position (GRCh38, 1-based): chr7:117,603,642, C>A. VCF-style: chr7-117603642-C-A. GRCh37 (hg19) VCF-style: chr7-117243696-C-A.
Other names: short protein forms A923D.
Identifiers: ClinVar variation 35848 (VCV000035848.3), dbSNP rs193922509, ClinGen allele CA260222.

ClinVar aggregate classification (germline): Likely pathogenic (1 of 4 stars; one submission).

Conditions:
Cystic fibrosis (CF). Also called: MUCOVISCIDOSIS. Identifiers: Orphanet 586, MedGen C0010674, MONDO:0009061, OMIM 219700. Disease mechanism: loss of function.

Submission:

Women's Health and Genetics/Laboratory Corporation of America, LabCorp
Classification: Likely pathogenic for Cystic Fibrosis. Last evaluated: 2011-08-18. Review status: criteria provided, single submitter. Criteria: LabCorp Variant Classification Summary - May 2015. Collection method: curation, clinical testing. Allele origin: germline. Inheritance: autosomal recessive. Affected: yes.
ClinVar note: Converted during submission from likely pathogenic to Likely pathogenic.

Literature cited by the submitters: PubMed 19019984.